The following is an entry in ClinVar:

NM_001931.5(DLAT):c.487A>G (p.Ile163Val)

Gene: DLAT (dihydrolipoamide S-acetyltransferase; plus strand). Cytogenetic location: 11q23.1.
Variant type: single nucleotide variant.
Coding change: c.487A>G on transcript NM_001931.5 (MANE Select); coding-DNA position 487, A replaced by G.
Protein change: p.Ile163Val; replaces isoleucine 163 with valine.
Molecular consequence: missense variant. On other transcripts: synonymous variant (1), non-coding transcript variant (1), intron variant (2).
Genome position (GRCh38, 1-based): chr11:112,028,620, A>G. VCF-style: chr11-112028620-A-G. GRCh37 (hg19) VCF-style: chr11-111899344-A-G.
Other names: p.I163V:ATC>GTC; c.487A>G, p.Ile163Val (NM_001372031.1, NM_001372032.1, NM_001372033.1 and 3 more transcripts); c.454A>G, p.Ile152Val (NM_001372034.1); c.361A>G, p.Ile121Val (NM_001372036.1); c.319A>G, p.Ile107Val (NM_001372037.1); c.21A>G, p.Ser7= (NM_001372042.1); c.381+2321A>G (NM_001372038.1); c.364+2338A>G (NM_001372040.1); short protein forms I163V, I107V, I121V, I152V.
Identifiers: ClinVar variation 214291 (VCV000214291.1), dbSNP rs200786104, ClinGen allele CA321102.
Genomic context (GRCh38, chr11:112,028,620, plus strand): 5'-TGTTATATGGCAAAGATACTTGTTGCTGAAGGTACCAGGGATGTTCCCATCGGAGCGATC[A>G]TCTGTATCACAGTTGGCAAGTGAGTAGTGCGCTCATAATTTGTGGAACTTCATTGCTTGG-3'
Protein context (NP_001922.2, residues 153-173): GTRDVPIGAI[Ile163Val]CITVGKPEDI

ClinVar aggregate classification (germline): Likely benign (1 of 4 stars; one submission).

Allele frequency attached by ClinVar (database versions not stated): gnomAD 0.00001; TOPMed 0.00001; 1000 Genomes Project 30x 0.00016; 1000 Genomes Project 0.00020.
gnomAD v4.1: 22 of 1,614,202 alleles (0.0014%); highest among the groups gnomAD compares: East Asian, 0.0022%; no homozygotes.

Submission:

GeneDx
Classification: Likely benign. Last evaluated: 2014-03-28. Review status: criteria provided, single submitter. Criteria: GeneDx Variant Classification (06012015). Collection method: clinical testing. Allele origin: germline. Affected: yes.
Comment: This variant is considered likely benign or benign based on one or more of the following criteria: it is a conservative change, it occurs at a poorly conserved position in the protein, it is predicted to be benign by multiple in silico algorithms, and/or has population frequency not consistent with disease.